The following is an entry in ClinVar:

ClinVar aggregate classification (germline): not provided (0 of 4 stars; one submission).

Conditions:
Preeclampsia. Identifiers: Orphanet 275555, MedGen C0032914, MONDO:0005081, HP:0100602.

Submission:

Institute of Molecular and Cell Biology, University of Tartu
No classification provided. Condition: Preeclampsia. Review status: no classification provided. Collection method: case-control. Allele origin: unknown. Affected: yes. Study: Kasak2014.
Comment: The study aimed to determine the contribution of copy number variants in the genetic etiology of normal and complicated pregnancies. The samples represented (i) maternal blood DNA drawn from healthy pregnant women during 1st or 2nd trimester and (ii) maternal and paternal blood DNA drawn at term pregnancy cases representing normal and complicated gestations (severe preeclampsia, PE; gestational diabetes, GD; small-for-gestational age newborn, SGA; large-for-gestational age newborn, LGA). We performed CNV calling based on genome-wide genotyping dataset (Illumina HumanOmniExpress-24-v1 BeadChip) by applying three algorithms, QuantiSNP, GADA (Genome Alteration Detection Algorithm) and CNstream in parallel. The acquired CNV calls were merged with HD-CNV (Hotspot Detector for Copy Number Variants) program and only the CNVs predicted by at least two programs, were considered in subsequent analysis.

Literature cited by the submitters: PubMed 25666259.

NM_178466.5(BPIFA3):c.127+1119_621+52del

Genes: BPIFA3 (BPI fold containing family A member 3; plus strand), LOC126863015 (BRD4-independent group 4 enhancer GRCh37_chr20:31811562-31812761; plus strand). Cytogenetic location: 20q11.21.
Variant type: Deletion.
Coding change: c.127+1119_621+52del on transcript NM_178466.5 (MANE Select); 1119 bases into the intron after coding-DNA position 127 through 52 bases into the intron after coding-DNA position 621, 7,761 bases deleted.
Molecular consequence: splice acceptor variant, splice donor variant.
Genome position (GRCh38, 1-based): chr20:33,218,782-33,226,542, 7,761 bases deleted. GRCh37 (hg19): chr20:31,806,588-31,814,348.
Other names: c.127+1119_513+52del (NM_001042439.2).
Identifiers: ClinVar variation 157462 (VCV000157462.2), ClinGen allele CA212497.